The following is an entry in ClinVar:

NM_032153.6(ZIC4):c.482A>G (p.Glu161Gly)

Gene: ZIC4 (Zic family zinc finger 4; minus strand). Cytogenetic location: 3q24.
Variant type: single nucleotide variant.
Coding change: c.482A>G on transcript NM_032153.6 (MANE Select); coding-DNA position 482, A replaced by G.
Protein change: p.Glu161Gly; replaces glutamic acid 161 with glycine.
Molecular consequence: missense variant. On other transcripts: intron variant (1).
Genome position (GRCh38, 1-based): chr3:147,396,058, T>C on the plus strand (A>G on the coding strand, the complement: ZIC4 is on the minus strand). VCF-style: chr3-147396058-T-C. GRCh37 (hg19) VCF-style: chr3-147113845-T-C.
Other names: c.632A>G, p.Glu211Gly (NM_001168378.1); c.596A>G, p.Glu199Gly (NM_001168379.2); c.71-4812A>G (NM_001243256.2); short protein forms E161G, E199G, E211G.
Identifiers: ClinVar variation 2894519 (VCV002894519.3), dbSNP rs754890121, ClinGen allele CA2656794.

ClinVar aggregate classification (germline): Uncertain significance (1 of 4 stars; one submission).

Allele frequency attached by ClinVar (database versions not stated): TOPMed below 0.00001; gnomAD 0.00001; gnomAD exomes 0.00001; ExAC 0.00002.

Submission:

Labcorp Genetics (formerly Invitae), Labcorp
Classification: Uncertain significance. Last evaluated: 2022-11-24. Review status: criteria provided, single submitter. Criteria: Invitae Variant Classification Sherloc (09022015). Collection method: clinical testing. Allele origin: germline.
Comment: In summary, the available evidence is currently insufficient to determine the role of this variant in disease. Therefore, it has been classified as a Variant of Uncertain Significance. Algorithms developed to predict the effect of missense changes on protein structure and function (SIFT, PolyPhen-2, Align-GVGD) all suggest that this variant is likely to be disruptive. This variant has not been reported in the literature in individuals affected with ZIC4-related conditions. This variant is present in population databases (rs754890121, gnomAD 0.01%). This sequence change replaces glutamic acid, which is acidic and polar, with glycine, which is neutral and non-polar, at codon 211 of the ZIC4 protein (p.Glu211Gly).